The following is an entry in ClinVar:

ClinVar aggregate classification (germline): Uncertain significance (1 of 4 stars; one submission).

Conditions:
Kabuki syndrome. Also called: NIIKAWA-KUROKI SYNDROME; Kabuki make-up syndrome. Identifiers: Orphanet 2322, MedGen C0796004, MONDO:0016512.

Submission:

Labcorp Genetics (formerly Invitae), Labcorp
Classification: Uncertain significance for Kabuki syndrome. Last evaluated: 2025-12-30. Review status: criteria provided, single submitter. Criteria: Invitae Variant Classification Sherloc (09022015). Collection method: clinical testing. Allele origin: germline.
Comment: This sequence change replaces glycine, which is neutral and non-polar, with serine, which is neutral and polar, at codon 4023 of the KMT2D protein (p.Gly4023Ser). This variant is not present in population databases (gnomAD no frequency). This variant has not been reported in the literature in individuals affected with KMT2D-related conditions. Invitae Evidence Modeling of protein sequence and biophysical properties (such as structural, functional, and spatial information, amino acid conservation, physicochemical variation, residue mobility, and thermodynamic stability) indicates that this missense variant is not expected to disrupt KMT2D protein function with a negative predictive value of 95%. In summary, the available evidence is currently insufficient to determine the role of this variant in disease. Therefore, it has been classified as a Variant of Uncertain Significance.

NM_003482.4(KMT2D):c.12067G>A (p.Gly4023Ser)

Gene: KMT2D (lysine methyltransferase 2D; minus strand). Cytogenetic location: 12q13.12.
Variant type: single nucleotide variant.
Coding change: c.12067G>A on transcript NM_003482.4 (MANE Select); coding-DNA position 12067, G replaced by A.
Protein change: p.Gly4023Ser; replaces glycine 4023 with serine.
Molecular consequence: missense variant.
Genome position (GRCh38, 1-based): chr12:49,032,638, C>T on the plus strand (G>A on the coding strand, the complement: KMT2D is on the minus strand). VCF-style: chr12-49032638-C-T. GRCh37 (hg19) VCF-style: chr12-49426421-C-T.
Other names: short protein forms G4023S.
Identifiers: ClinVar variation 4801201 (VCV004801201.1).